The following is an entry in ClinVar:

ClinVar aggregate classification (germline): Likely benign (0 of 4 stars; one submission).

Conditions:
DAGLA-related disorder. Also called: DAGLA-related condition.

Allele frequency attached by ClinVar (database versions not stated): gnomAD 0.00003; ExAC 0.00004; TOPMed 0.00006; 1000 Genomes Project 30x 0.00047.
gnomAD v4.1: 42 of 1,575,280 alleles (0.0027%); highest among the groups gnomAD compares: East Asian, 0.058%; no homozygotes.

Submission:

PreventionGenetics, part of Exact Sciences
Classification: Likely benign for DAGLA-related condition. Last evaluated: 2019-08-19. Review status: no assertion criteria provided. Collection method: clinical testing. Allele origin: germline.
Comment: This variant is classified as likely benign based on ACMG/AMP sequence variant interpretation guidelines (Richards et al. 2015 PMID: 25741868, with internal and published modifications).

NM_006133.3(DAGLA):c.2244G>A (p.Ala748=)

Gene: DAGLA (diacylglycerol lipase alpha; plus strand). Cytogenetic location: 11q12.2.
Variant type: single nucleotide variant.
Coding change: c.2244G>A on transcript NM_006133.3 (MANE Select); coding-DNA position 2244, G replaced by A.
Protein change: p.Ala748=; no amino-acid change (alanine 748 retained).
Molecular consequence: synonymous variant.
Genome position (GRCh38, 1-based): chr11:61,743,604, G>A. VCF-style: chr11-61743604-G-A. GRCh37 (hg19) VCF-style: chr11-61511076-G-A.
Identifiers: ClinVar variation 3052350 (VCV003052350.2), dbSNP rs765951660, ClinGen allele CA6037148.